The following is an entry in ClinVar:

NM_000466.3(PEX1):c.2284A>C (p.Asn762His)

Gene: PEX1 (peroxisomal biogenesis factor 1; minus strand). Cytogenetic location: 7q21.2.
Variant type: single nucleotide variant.
Coding change: c.2284A>C on transcript NM_000466.3 (MANE Select); coding-DNA position 2284, A replaced by C.
Protein change: p.Asn762His; replaces asparagine 762 with histidine.
Molecular consequence: missense variant.
Genome position (GRCh38, 1-based): chr7:92,502,022, T>G on the plus strand (A>C on the coding strand, the complement: PEX1 is on the minus strand). VCF-style: chr7-92502022-T-G. GRCh37 (hg19) VCF-style: chr7-92131336-T-G.
Other names: c.2113A>C, p.Asn705His (NM_001282677.2); c.1660A>C, p.Asn554His (NM_001282678.2); short protein forms N705H, N762H, N554H.
Identifiers: ClinVar variation 1948859 (VCV001948859.4), dbSNP rs2484661841, ClinGen allele CA368178286.

ClinVar aggregate classification (germline): Uncertain significance (1 of 4 stars; one submission).

Conditions:
Zellweger spectrum disorders (ZS). Also called: Zellweger Spectrum Disorder (ZSD); Zellweger syndrome; Zellweger Spectrum Disorder; Zellweger Spectrum. Identifiers: Orphanet 912, MedGen C0043459, MONDO:0019609.

Submission:

Labcorp Genetics (formerly Invitae), Labcorp
Classification: Uncertain significance for Zellweger spectrum disorders. Last evaluated: 2022-06-08. Review status: criteria provided, single submitter. Criteria: Invitae Variant Classification Sherloc (09022015). Collection method: clinical testing. Allele origin: germline.
Comment: This variant is not present in population databases (gnomAD no frequency). This sequence change replaces asparagine, which is neutral and polar, with histidine, which is basic and polar, at codon 762 of the PEX1 protein (p.Asn762His). This variant has not been reported in the literature in individuals affected with PEX1-related conditions. In summary, the available evidence is currently insufficient to determine the role of this variant in disease. Therefore, it has been classified as a Variant of Uncertain Significance. Advanced modeling of protein sequence and biophysical properties (such as structural, functional, and spatial information, amino acid conservation, physicochemical variation, residue mobility, and thermodynamic stability) performed at Invitae indicates that this missense variant is not expected to disrupt PEX1 protein function.